The following is an entry in ClinVar:

ClinVar aggregate classification (germline): Uncertain significance. Review status: criteria provided, multiple submitters, no conflicts (2 of 4 stars). 2 submissions from 2 submitters: Uncertain significance (2). Last evaluated 2026-03-23.

Conditions:
Birt-Hogg-Dube syndrome. Also called: Birt Hogg Dubé syndrome. Identifiers: Orphanet 122, MedGen C0346010, MONDO:0800444.
Hereditary cancer-predisposing syndrome. Also called: Tumor predisposition; Neoplastic Syndromes, Hereditary; Hereditary Cancer Syndrome; Hereditary neoplastic syndrome. Identifiers: Orphanet 140162, MedGen C0027672, MeSH D009386, MONDO:0015356.

gnomAD v4.1: 1 of 1,613,224 alleles (0.000062%); highest among the groups gnomAD compares: African/African-American, 0.0013%; no homozygotes.

Submissions (2):

Ambry Genetics
Classification: Uncertain significance for Hereditary cancer-predisposing syndrome. Last evaluated: 2026-03-23. Review status: criteria provided, single submitter. Criteria: Ambry Variant Classification Scheme 2023. Collection method: clinical testing. Allele origin: germline.

Labcorp Genetics (formerly Invitae), Labcorp
Classification: Uncertain significance for Birt-Hogg-Dube syndrome. Last evaluated: 2021-10-14. Review status: criteria provided, single submitter. Criteria: Invitae Variant Classification Sherloc (09022015). Collection method: clinical testing. Allele origin: germline.
Comment: In summary, the available evidence is currently insufficient to determine the role of this variant in disease. Therefore, it has been classified as a Variant of Uncertain Significance. Algorithms developed to predict the effect of missense changes on protein structure and function (SIFT, PolyPhen-2, Align-GVGD) all suggest that this variant is likely to be tolerated. This sequence change replaces glycine with arginine at codon 202 of the FLCN protein (p.Gly202Arg). The glycine residue is moderately conserved and there is a moderate physicochemical difference between glycine and arginine. This variant is not present in population databases (ExAC no frequency). This variant has not been reported in the literature in individuals affected with FLCN-related conditions.

NM_144997.7(FLCN):c.604G>C (p.Gly202Arg)

Gene: FLCN (folliculin; minus strand). Cytogenetic location: 17p11.2.
Variant type: single nucleotide variant.
Coding change: c.604G>C on transcript NM_144997.7 (MANE Select); coding-DNA position 604, G replaced by C.
Protein change: p.Gly202Arg; replaces glycine 202 with arginine.
Molecular consequence: missense variant.
Genome position (GRCh38, 1-based): chr17:17,223,936, C>G on the plus strand (G>C on the coding strand, the complement: FLCN is on the minus strand). VCF-style: chr17-17223936-C-G. GRCh37 (hg19) VCF-style: chr17-17127250-C-G.
Other names: c.658G>C, p.Gly220Arg (NM_001353229.2); c.604G>C, p.Gly202Arg (NM_001353230.2, NM_001353231.2, NM_144606.7); short protein forms G220R, G202R.
Identifiers: ClinVar variation 1463816 (VCV001463816.9), dbSNP rs774491699, ClinGen allele CA398534199.